The following is an entry in ClinVar:

NM_000218.3(KCNQ1):c.1514+3197C>G

Genes: KCNQ1 (potassium voltage-gated channel subfamily Q member 1; plus strand), KCNQ1OT1 (KCNQ1 opposite strand/antisense transcript 1; minus strand). Cytogenetic location: 11p15.5.
Variant type: single nucleotide variant.
Coding change: c.1514+3197C>G on transcript NM_000218.3 (MANE Select); 3197 bases into the intron after coding-DNA position 1514, C replaced by G.
Molecular consequence: intron variant.
Genome position (GRCh38, 1-based): chr11:2,665,278, C>G. VCF-style: chr11-2665278-C-G. GRCh37 (hg19) VCF-style: chr11-2686508-C-G.
Other names: c.1514+3197C>G (NM_000218.2); c.1244+3197C>G (NM_001406837.1); c.1418+3197C>G (NM_001406836.1); c.974+3197C>G (NM_001406838.1); c.1133+3197C>G (NM_181798.2).
Identifiers: ClinVar variation 1694612 (VCV001694612.32), dbSNP rs565014702, ClinGen allele CA216173901.

ClinVar aggregate classification (germline): Benign. Review status: criteria provided, single submitter (1 of 4 stars). 2 submissions from 2 submitters: Benign (1). 1 of the submissions does not count toward it. Last evaluated 2026-06-01.

Conditions:
KCNQ1-related disorder. Also called: KCNQ1-related condition; KCNQ1-related disorders. Identifiers: MedGen CN239322.

Allele frequency attached by ClinVar (database versions not stated): 1000 Genomes Project 30x 0.00016; TOPMed 0.00064; gnomAD 0.00080 and 0.00083; gnomAD exomes 0.00114.
gnomAD v4.1: 394 of 398,462 alleles (0.099%); highest among the groups gnomAD compares: Admixed American, 0.13%; no homozygotes.

Submissions (2):

CeGaT Center for Human Genetics Tuebingen
Classification: Benign. Last evaluated: 2026-06-01. Review status: criteria provided, single submitter. Criteria: CeGaT Center For Human Genetics Tuebingen Variant Classification Criteria Version 2. Collection method: clinical testing. Allele origin: germline. Affected: yes. Observed: 17 variant alleles.
Comment: KCNQ1OT1: BS1, BS2

PreventionGenetics, part of Exact Sciences
Classification: Likely benign for KCNQ1-related condition. Last evaluated: 2023-01-05. Review status: no assertion criteria provided. Collection method: clinical testing. Allele origin: germline. Not counted in ClinVar's aggregate classification.
Comment: This variant is classified as likely benign based on ACMG/AMP sequence variant interpretation guidelines (Richards et al. 2015 PMID: 25741868, with internal and published modifications).